The following is an entry in ClinVar:

ClinVar aggregate classification (germline): Uncertain significance. Review status: criteria provided, multiple submitters, no conflicts (2 of 4 stars). 2 submissions from 2 submitters: Uncertain significance (2). Last evaluated 2025-06-05.

Conditions:
Combined oxidative phosphorylation deficiency 32 (COXPD32). Identifiers: MedGen C4540029, MONDO:0054654, OMIM 617664.

Allele frequency attached by ClinVar (database versions not stated): 1000 Genomes Project 30x 0.00016.

Submissions (2):

Revvity Omics, Revvity
Classification: Uncertain significance for Combined oxidative phosphorylation deficiency 32. Last evaluated: 2025-06-05. Review status: criteria provided, single submitter. Criteria: ACMG Guidelines, 2015. Collection method: clinical testing. Allele origin: germline.

Labcorp Genetics (formerly Invitae), Labcorp
Classification: Uncertain significance. Last evaluated: 2023-11-27. Review status: criteria provided, single submitter. Criteria: Invitae Variant Classification Sherloc (09022015). Collection method: clinical testing. Allele origin: germline.
Comment: This sequence change replaces glutamic acid, which is acidic and polar, with lysine, which is basic and polar, at codon 23 of the MRPS34 protein (p.Glu23Lys). This variant is present in population databases (rs11552432, gnomAD 0.06%). This variant has not been reported in the literature in individuals affected with MRPS34-related conditions. ClinVar contains an entry for this variant (Variation ID: 2079203). An algorithm developed to predict the effect of missense changes on protein structure and function (PolyPhen-2) suggests that this variant is likely to be disruptive. In summary, the available evidence is currently insufficient to determine the role of this variant in disease. Therefore, it has been classified as a Variant of Uncertain Significance.

NM_023936.2(MRPS34):c.67G>A (p.Glu23Lys)

Genes: MRPS34 (mitochondrial ribosomal protein S34; minus strand), EME2 (essential meiotic structure-specific endonuclease subunit 2; plus strand). Cytogenetic location: 16p13.3.
Variant type: single nucleotide variant.
Coding change: c.67G>A on transcript NM_023936.2 (MANE Select); coding-DNA position 67, G replaced by A.
Protein change: p.Glu23Lys; replaces glutamic acid 23 with lysine.
Molecular consequence: missense variant. On other transcripts: 5 prime UTR variant (1).
Genome position (GRCh38, 1-based): chr16:1,773,053, C>T on the plus strand (G>A on the coding strand, the complement: MRPS34 is on the minus strand). VCF-style: chr16-1773053-C-T. GRCh37 (hg19) VCF-style: chr16-1823054-C-T.
Other names: c.-175C>T (NM_001257370.2); c.67G>A, p.Glu23Lys (NM_001300900.2); short protein forms E23K.
Identifiers: ClinVar variation 2079203 (VCV002079203.3), dbSNP rs11552432, ClinGen allele CA7818442.